The following is an entry in ClinVar:

ClinVar aggregate classification (germline): Uncertain significance. Review status: criteria provided, multiple submitters, no conflicts (2 of 4 stars). 3 submissions from 3 submitters: Uncertain significance (2). 1 of the submissions does not count toward it. Last evaluated 2025-02-08.

Conditions:
Fanconi anemia (FA). Also called: Fanconi's anemia. Identifiers: Orphanet 84, MedGen C0015625, MeSH D005199, MONDO:0019391.
Inborn genetic diseases. Identifiers: MedGen C0950123, MeSH D030342.
Fanconi anemia complementation group A (FANCA). Also called: Fanconi anemia, group A; FANCA-Related Fanconi Anemia. Identifiers: Orphanet 84, MedGen C3469521, MONDO:0009215, OMIM 227650.

gnomAD v4.1: 1 of 1,614,018 alleles (0.000062%); no homozygotes.

Submissions (3):

Ambry Genetics
Classification: Uncertain significance for Inborn genetic diseases. Last evaluated: 2025-02-08. Review status: criteria provided, single submitter. Criteria: Ambry Variant Classification Scheme 2023. Collection method: clinical testing. Allele origin: germline.
Comment: The p.I525L variant (also known as c.1573A>T), located in coding exon 17 of the FANCA gene, results from an A to T substitution at nucleotide position 1573. The isoleucine at codon 525 is replaced by leucine, an amino acid with highly similar properties. This amino acid position is conserved. In addition, this alteration is predicted to be tolerated by in silico analysis. Based on the available evidence, the clinical significance of this variant remains unclear.

Labcorp Genetics (formerly Invitae), Labcorp
Classification: Uncertain significance for Fanconi anemia. Last evaluated: 2021-09-24. Review status: criteria provided, single submitter. Criteria: Invitae Variant Classification Sherloc (09022015). Collection method: clinical testing. Allele origin: germline.
Comment: This sequence change replaces isoleucine with leucine at codon 525 of the FANCA protein (p.Ile525Leu). The isoleucine residue is weakly conserved and there is a small physicochemical difference between isoleucine and leucine. This variant is present in population databases (rs755925068, ExAC 0.02%). This variant has not been reported in the literature in individuals with FANCA-related disease. Algorithms developed to predict the effect of missense changes on protein structure and function output the following: SIFT: "Tolerated"; PolyPhen-2: "Benign"; Align-GVGD: "Class C0". The leucine amino acid residue is found in multiple mammalian species, suggesting that this missense change does not adversely affect protein function. These predictions have not been confirmed by published functional studies and their clinical significance is uncertain. In summary, the available evidence is currently insufficient to determine the role of this variant in disease. Therefore, it has been classified as a Variant of Uncertain Significance.

Natera, Inc.
Classification: Uncertain significance for Fanconi anemia, group A. Last evaluated: 2020-08-13. Review status: no assertion criteria provided. Collection method: clinical testing. Allele origin: germline. Not counted in ClinVar's aggregate classification.

NM_000135.4(FANCA):c.1573A>T (p.Ile525Leu)

Gene: FANCA (FA complementation group A; minus strand). Cytogenetic location: 16q24.3.
Variant type: single nucleotide variant.
Coding change: c.1573A>T on transcript NM_000135.4 (MANE Select); coding-DNA position 1573, A replaced by T.
Protein change: p.Ile525Leu; replaces isoleucine 525 with leucine.
Molecular consequence: missense variant.
Genome position (GRCh38, 1-based): chr16:89,782,912, T>A on the plus strand (A>T on the coding strand, the complement: FANCA is on the minus strand). VCF-style: chr16-89782912-T-A. GRCh37 (hg19) VCF-style: chr16-89849320-T-A.
Other names: c.1573A>T (NM_000135.2); c.1573A>T, p.Ile525Leu (NM_001286167.3); short protein forms I525L.
Identifiers: ClinVar variation 990017 (VCV000990017.7), dbSNP rs755925068, ClinGen allele CA8252238.